The following is an entry in ClinVar:

ClinVar aggregate classification (germline): Likely benign (1 of 4 stars; one submission).

gnomAD v4.1: 9 of 1,608,442 alleles (0.00056%); highest among the groups gnomAD compares: Non-Finnish European, 0.00076%; no homozygotes.

Submission:

Mayo Clinic Laboratories, Mayo Clinic
Classification: Likely benign. Last evaluated: 2025-01-28. Review status: criteria provided, single submitter. Criteria: ACMG Guidelines, 2015. Collection method: clinical testing. Allele origin: germline. Observed: 1 variant allele.
Comment: BP4, BP7

NM_032856.5(WDR73):c.714G>A (p.Gly238=)

Gene: WDR73 (WD repeat domain 73; minus strand). Cytogenetic location: 15q25.2.
Variant type: single nucleotide variant.
Coding change: c.714G>A on transcript NM_032856.5 (MANE Select); coding-DNA position 714, G replaced by A.
Protein change: p.Gly238=; no amino-acid change (glycine 238 retained).
Molecular consequence: synonymous variant. On other transcripts: non-coding transcript variant (4).
Genome position (GRCh38, 1-based): chr15:84,645,640, C>T on the plus strand (G>A on the coding strand, the complement: WDR73 is on the minus strand). VCF-style: chr15-84645640-C-T. GRCh37 (hg19) VCF-style: chr15-85188871-C-T.
Other names: p.Gly238=.
Identifiers: ClinVar variation 4684017 (VCV004684017.1).
Genomic context (GRCh38, chr15:84,645,640, plus strand): 5'-GAGATCCCGGGGGTCAAGAAGACAAAGACGCCCATCTGAGCCAAGGCTGGCAATGCTGGG[C>T]CCAGGGCCCTGGCCCCAGCTCCCAACTTCAGCACACCATCTCTCTCCACCAGACCCAGGG-3'
Protein context (NP_116245.2, residues 228-248): AEVGSWGQGP[Gly238=]PSIASLGSDG